The following is an entry in ClinVar:

ClinVar aggregate classification (germline): Uncertain significance (1 of 4 stars; one submission).

Submission:

Labcorp Genetics (formerly Invitae), Labcorp
Classification: Uncertain significance. Last evaluated: 2022-08-19. Review status: criteria provided, single submitter. Criteria: Invitae Variant Classification Sherloc (09022015). Collection method: clinical testing. Allele origin: germline.
Comment: Algorithms developed to predict the effect of missense changes on protein structure and function (SIFT, PolyPhen-2, Align-GVGD) all suggest that this variant is likely to be tolerated. This sequence change replaces asparagine, which is neutral and polar, with serine, which is neutral and polar, at codon 268 of the CARD8 protein (p.Asn268Ser). This variant is not present in population databases (gnomAD no frequency). This variant has not been reported in the literature in individuals affected with CARD8-related conditions. ClinVar contains an entry for this variant (Variation ID: 1512772). Algorithms developed to predict the effect of sequence changes on RNA splicing suggest that this variant may create or strengthen a splice site. In summary, the available evidence is currently insufficient to determine the role of this variant in disease. Therefore, it has been classified as a Variant of Uncertain Significance.

NM_001184900.3(CARD8):c.953A>G (p.Asn318Ser)

Gene: CARD8 (caspase recruitment domain family member 8; minus strand). Cytogenetic location: 19q13.33.
Variant type: single nucleotide variant.
Coding change: c.953A>G on transcript NM_001184900.3 (MANE Select); coding-DNA position 953, A replaced by G.
Protein change: p.Asn318Ser; replaces asparagine 318 with serine.
Molecular consequence: missense variant. On other transcripts: non-coding transcript variant (4).
Genome position (GRCh38, 1-based): chr19:48,230,520, T>C on the plus strand (A>G on the coding strand, the complement: CARD8 is on the minus strand). VCF-style: chr19-48230520-T-C. GRCh37 (hg19) VCF-style: chr19-48733777-T-C.
Other names: c.803A>G, p.Asn268Ser (NM_001184901.1, NM_001351783.2, NM_001351788.2 and 2 more transcripts); c.953A>G, p.Asn318Ser (NM_001184902.2, NM_001184903.1, NM_001351782.2); c.638A>G, p.Asn213Ser (NM_001351784.2, NM_001351787.2, NM_001351791.2 and 1 more transcripts); c.617A>G, p.Asn206Ser (NM_001351786.2); c.710A>G, p.Asn237Ser (NM_001351790.2); c.635A>G, p.Asn212Ser (NM_001365950.1); short protein forms N206S, N212S, N213S, N318S, N237S, N268S.
Identifiers: ClinVar variation 1512772 (VCV001512772.6), dbSNP rs2146186919, ClinGen allele CA406643783.
Genomic context (GRCh38, chr19:48,230,520, plus strand): 5'-GGGACAAGGTACAAGTGGAACTTAATATCTTCGGGGTGGGGGTGATAATAGATCAATGTG[T>C]TGGAAGTGATGGGGATGGAGAGGCGAGTCCCACTGGCGATCCGCAGCAGGATGCCCATCA-3'
Protein context (NP_001171829.1, residues 308-328): GTRLSIPITS[Asn318Ser]TLIYYHPHPE